The following is an entry in ClinVar:

NM_016734.3(PAX5):c.566C>T (p.Ser189Phe)

Genes: PAX5 (paired box 5; minus strand), LOC105376032 (uncharacterized LOC105376032; plus strand). Cytogenetic location: 9p13.2.
Variant type: single nucleotide variant.
Coding change: c.566C>T on transcript NM_016734.3 (MANE Select); coding-DNA position 566, C replaced by T.
Protein change: p.Ser189Phe; replaces serine 189 with phenylalanine.
Molecular consequence: missense variant. On other transcripts: non-coding transcript variant (2), intron variant (2).
Genome position (GRCh38, 1-based): chr9:37,002,686, G>A on the plus strand (C>T on the coding strand, the complement: PAX5 is on the minus strand). VCF-style: chr9-37002686-G-A. GRCh37 (hg19) VCF-style: chr9-37002683-G-A.
Other names: c.566C>T, p.Ser189Phe (NM_001280547.2, NM_001280548.2, NM_001280549.2 and 2 more transcripts); c.242C>T, p.Ser81Phe (NM_001280551.2, NM_001280556.2); c.368C>T, p.Ser123Phe (NM_001280555.2); c.475+3787C>T (NM_001280553.2, NM_001280554.2); short protein forms S189F, S81F, S123F.
Identifiers: ClinVar variation 4827571 (VCV004827571.1).
Genomic context (GRCh38, chr9:37,002,686, plus strand): 5'-GGGCTGCGCGGGCCTCTCTTACCTTCGTCTCTCTTGCGCTTGTTGGTGTCGGCGCTGGGG[G>A]ACGTGATGCCCAGGATGCCGCTGATGGAGTACGACGAGCCGGCCGAATCCGTGCTCACCG-3'
Protein context (NP_057953.1, residues 179-199): YSISGILGIT[Ser189Phe]PSADTNKRKR

ClinVar aggregate classification (germline): Uncertain significance (1 of 4 stars; one submission).

Conditions:
Inborn genetic diseases. Identifiers: MedGen C0950123, MeSH D030342.

Submission:

Ambry Genetics
Classification: Uncertain significance for Inborn genetic diseases. Last evaluated: 2026-03-07. Review status: criteria provided, single submitter. Criteria: Ambry Variant Classification Scheme 2023. Collection method: clinical testing. Allele origin: germline.
Comment: The p.S189F variant (also known as c.566C>T), located in coding exon 5 of the PAX5 gene, results from a C to T substitution at nucleotide position 566. The serine at codon 189 is replaced by phenylalanine, an amino acid with highly dissimilar properties. This amino acid position is conserved. In addition, this alteration is predicted to be deleterious by in silico analysis. Based on the available evidence, the clinical significance of this variant remains unclear.